The following is an entry in ClinVar:

NM_003718.5(CDK13):c.4251GTT[1] (p.Leu1418del)

Gene: CDK13 (cyclin dependent kinase 13; plus strand). Cytogenetic location: 7p14.1.
Variant type: Microsatellite.
Coding change: c.4251GTT[1] on transcript NM_003718.5 (MANE Select); one copy of the 3-base unit GTT starting at c.4251; the reference has two copies in a row; one copy, 3 bases deleted.
Protein change: p.Leu1418del; deletes leucine 1418.
Molecular consequence: inframe indel (on NM_031267.4).
Genome position (GRCh38, 1-based): chr7:40,094,695-40,094,697, GTT deleted; deleting any 3 consecutive bases within chr7:40,094,691-40,094,697 gives the same sequence; the position shown is the placement nearest the transcript's 3' end. VCF-style (leftmost placement, unchanged base first): chr7-40094690-ATGT-A. GRCh37 (hg19) VCF-style: chr7-40134289-ATGT-A.
Other names: c.4071_4073GTT[1], p.Leu1358del (NM_031267.4); c.4254_4256delGTT (NM_003718.4); short protein forms L1358del, L1418del.
Identifiers: ClinVar variation 1699863 (VCV001699863.3), dbSNP rs2150548778, ClinGen allele CA2528726933.

ClinVar aggregate classification (germline): Uncertain significance. Review status: criteria provided, multiple submitters, no conflicts (2 of 4 stars). 2 submissions from 2 submitters: Uncertain significance (2). Last evaluated 2023-03-17.

Conditions:
CDK13-related disorder. Also called: CDK13-related condition. Identifiers: MedGen C5816700.

Submissions (2):

PreventionGenetics, part of Exact Sciences
Classification: Uncertain significance for CDK13-related condition. Last evaluated: 2023-03-17. Review status: criteria provided, single submitter. Criteria: ACMG Guidelines, 2015. Collection method: clinical testing. Allele origin: germline.
Comment: The CDK13 c.4254_4256delGTT variant is predicted to result in an in-frame deletion (p.Leu1418del). To our knowledge, this variant has not been reported in the literature or in a large population database, indicating this variant is rare. At this time, the clinical significance of this variant is uncertain due to the absence of conclusive functional and genetic evidence.

GeneDx
Classification: Uncertain significance. Last evaluated: 2022-01-15. Review status: criteria provided, single submitter. Criteria: GeneDx Variant Classification Process June 2021. Collection method: clinical testing. Allele origin: germline. Affected: yes.
Comment: Not observed at significant frequency in large population cohorts (gnomAD); In-frame [deletion/insertion] of 1 amino acids in a non-repeat region; In silico analysis supports a deleterious effect on protein structure/function; Has not been previously published as pathogenic or benign to our knowledge